The following is an entry in ClinVar:

ClinVar aggregate classification (germline): Uncertain significance (1 of 4 stars; one submission).

Conditions:
Evans syndrome, immunodeficiency, and premature immunosenescence associated with tripeptidyl-peptidase II deficiency. Identifiers: MedGen CN231723. Disease mechanism: loss of function.

gnomAD v4.1: 4 of 1,608,058 alleles (0.00025%); highest among the groups gnomAD compares: African/African-American, 0.0027%; no homozygotes.

Submission:

Labcorp Genetics (formerly Invitae), Labcorp
Classification: Uncertain significance for Evans syndrome, immunodeficiency, and premature immunosenescence associated with tripeptidyl-peptidase II deficiency. Last evaluated: 2024-12-03. Review status: criteria provided, single submitter. Criteria: Invitae Variant Classification Sherloc (09022015). Collection method: clinical testing. Allele origin: germline.
Comment: This sequence change falls in intron 6 of the TPP2 gene. It does not directly change the encoded amino acid sequence of the TPP2 protein. It affects a nucleotide within the consensus splice site. This variant is present in population databases (no rsID available, gnomAD 0.008%). This variant has not been reported in the literature in individuals affected with TPP2-related conditions. Variants that disrupt the consensus splice site are a relatively common cause of aberrant splicing (PMID: 17576681, 9536098). Algorithms developed to predict the effect of sequence changes on RNA splicing suggest that this variant is not likely to affect RNA splicing. In summary, the available evidence is currently insufficient to determine the role of this variant in disease. Therefore, it has been classified as a Variant of Uncertain Significance.

Literature cited by the submitters: PubMed 17576681; PubMed 9536098.

NM_001330588.2(TPP2):c.784+6C>G

Gene: TPP2 (tripeptidyl peptidase 2; plus strand). Cytogenetic location: 13q33.1.
Variant type: single nucleotide variant.
Coding change: c.784+6C>G on transcript NM_001330588.2 (MANE Select); 6 bases into the intron after coding-DNA position 784, C replaced by G.
Molecular consequence: intron variant.
Genome position (GRCh38, 1-based): chr13:102,623,046, C>G. VCF-style: chr13-102623046-C-G. GRCh37 (hg19) VCF-style: chr13-103275396-C-G.
Other names: c.784+6C>G (NM_001367947.1, NM_003291.4).
Identifiers: ClinVar variation 3621271 (VCV003621271.2).